The following is an entry in ClinVar:

NM_152490.5(B3GALNT2):c.46G>A (p.Ala16Thr)

Gene: B3GALNT2 (beta-1,3-N-acetylgalactosaminyltransferase 2; minus strand). Cytogenetic location: 1q42.3.
Variant type: single nucleotide variant.
Coding change: c.46G>A on transcript NM_152490.5 (MANE Select); coding-DNA position 46, G replaced by A.
Protein change: p.Ala16Thr; replaces alanine 16 with threonine.
Molecular consequence: missense variant.
Genome position (GRCh38, 1-based): chr1:235,504,207, C>T on the plus strand (G>A on the coding strand, the complement: B3GALNT2 is on the minus strand). VCF-style: chr1-235504207-C-T. GRCh37 (hg19) VCF-style: chr1-235667507-C-T.
Other names: c.46G>A, p.Ala16Thr (NM_001277155.3); short protein forms A16T.
Identifiers: ClinVar variation 862309 (VCV000862309.7), dbSNP rs1685727749, ClinGen allele CA344937264.

ClinVar aggregate classification (germline): Uncertain significance (1 of 4 stars; one submission).

Conditions:
Muscular dystrophy-dystroglycanopathy (congenital with brain and eye anomalies), type a, 11 (MDDGA11). Also called: WALKER-WARBURG SYNDROME OR MUSCLE-EYE-BRAIN DISEASE, B3GALNT2-RELATED; Congenital muscular dystrophy-dystroglycanopathy with brain and eye anomalies, type A11; Muscular dystrophy-dystroglycanopathy (congenital with brain and eye anomalies, type A, 11. Identifiers: Orphanet 588, Orphanet 899, MedGen C3554638, MONDO:0014071, OMIM 615181.

gnomAD v4.1: 5 of 1,436,028 alleles (0.00035%); highest among the groups gnomAD compares: Non-Finnish European, 0.00045%; no homozygotes.

Submission:

Labcorp Genetics (formerly Invitae), Labcorp
Classification: Uncertain significance for Muscular dystrophy-dystroglycanopathy (congenital with brain and eye anomalies), type a, 11. Last evaluated: 2022-10-17. Review status: criteria provided, single submitter. Criteria: Invitae Variant Classification Sherloc (09022015). Collection method: clinical testing. Allele origin: germline.
Comment: This sequence change replaces alanine, which is neutral and non-polar, with threonine, which is neutral and polar, at codon 16 of the B3GALNT2 protein (p.Ala16Thr). In summary, the available evidence is currently insufficient to determine the role of this variant in disease. Therefore, it has been classified as a Variant of Uncertain Significance. Algorithms developed to predict the effect of missense changes on protein structure and function are either unavailable or do not agree on the potential impact of this missense change (SIFT: "Tolerated"; PolyPhen-2: "Possibly Damaging"; Align-GVGD: "Class C0"). ClinVar contains an entry for this variant (Variation ID: 862309). This variant has not been reported in the literature in individuals affected with B3GALNT2-related conditions. This variant is not present in population databases (gnomAD no frequency).